The following is an entry in ClinVar:

NM_001085458.2(CTNND1):c.1124T>G (p.Leu375Arg)

Genes: CTNND1 (catenin delta 1; plus strand), TMX2-CTNND1 (TMX2-CTNND1 readthrough (NMD candidate); plus strand). Cytogenetic location: 11q12.1.
Variant type: single nucleotide variant.
Coding change: c.1124T>G on transcript NM_001085458.2 (MANE Select); coding-DNA position 1124, T replaced by G.
Protein change: p.Leu375Arg; replaces leucine 375 with arginine.
Molecular consequence: missense variant. On other transcripts: non-coding transcript variant (1).
Genome position (GRCh38, 1-based): chr11:57,801,900, T>G. VCF-style: chr11-57801900-T-G. GRCh37 (hg19) VCF-style: chr11-57569372-T-G.
Other names: c.1124T>G, p.Leu375Arg (NM_001085459.2, NM_001085460.2, NM_001085461.2 and 3 more transcripts); c.821T>G, p.Leu274Arg (NM_001085463.2, NM_001085464.2, NM_001085465.2 and 5 more transcripts); c.962T>G, p.Leu321Arg (NM_001206883.2, NM_001206884.2, NM_001206886.2 and 4 more transcripts); short protein forms L274R, L321R, L375R.
Identifiers: ClinVar variation 3764435 (VCV003764435.1).
Genomic context (GRCh38, chr11:57,801,900, plus strand): 5'-AAGGAGGGCCTCCACCTCCTAATTGGAGACAGCCAGAGCTGCCAGAGGTGATCGCCATGC[T>G]TGGATTCCGCTTGGATGCTGTCAAGTCCAATGCAGCTGCATACCTGCAACACTTATGCTA-3'
Protein context (NP_001078927.1, residues 365-385): QPELPEVIAM[Leu375Arg]GFRLDAVKSN

ClinVar aggregate classification (germline): Uncertain significance (1 of 4 stars; one submission).

Submission:

GeneDx
Classification: Uncertain significance. Last evaluated: 2024-08-20. Review status: criteria provided, single submitter. Criteria: GeneDx Variant Classification Process June 2021. Collection method: clinical testing. Allele origin: germline. Affected: yes.
Comment: Not observed at significant frequency in large population cohorts (gnomAD); In silico analysis supports that this missense variant has a deleterious effect on protein structure/function; Has not been previously published as pathogenic or benign to our knowledge